The following is an entry in ClinVar:

NM_001378183.1(PIEZO2):c.86G>T (p.Gly29Val)

Gene: PIEZO2 (piezo type mechanosensitive ion channel component 2; minus strand). Cytogenetic location: 18p11.21.
Variant type: single nucleotide variant.
Coding change: c.86G>T on transcript NM_001378183.1 (MANE Select); coding-DNA position 86, G replaced by T.
Protein change: p.Gly29Val; replaces glycine 29 with valine.
Molecular consequence: missense variant.
Genome position (GRCh38, 1-based): chr18:11,066,201, C>A on the plus strand (G>T on the coding strand, the complement: PIEZO2 is on the minus strand). VCF-style: chr18-11066201-C-A. GRCh37 (hg19) VCF-style: chr18-11066200-C-A.
Other names: c.86G>T, p.Gly29Val (NM_022068.4); short protein forms G29V.
Identifiers: ClinVar variation 1310285 (VCV001310285.7), dbSNP rs772178114, ClinGen allele CA8892881.

ClinVar aggregate classification (germline): Uncertain significance. Review status: criteria provided, multiple submitters, no conflicts (2 of 4 stars). 4 submissions from 4 submitters: Uncertain significance (4). Last evaluated 2025-10-02.

Conditions:
Inborn genetic diseases. Identifiers: MedGen C0950123, MeSH D030342.
Arthrogryposis, distal, with impaired proprioception and touch (DAIPT). Identifiers: MedGen C4310692, MONDO:0014941, OMIM 617146.
Arthrogryposis- oculomotor limitation-electroretinal anomalies syndrome. Also called: ARTHROGRYPOSIS WITH OCULOMOTOR LIMITATION AND ELECTRORETINAL ABNORMALITIES; ARTHROGRYPOSIS, DISTAL, TYPE IIB; ARTHROGRYPOSIS, DISTAL, TYPE 5. Identifiers: Orphanet 1154, MedGen C1862472, MONDO:0007158, OMIM 108145.
Marden-Walker syndrome (MWKS). Also called: Connective tissue disorder Marden Walker type. Identifiers: Orphanet 2461, MedGen C0796033, MONDO:0009564, OMIM 248700.
Gordon syndrome (DA3). Also called: ARTHROGRYPOSIS MULTIPLEX CONGENITA, DISTAL, TYPE IIA; CAMPTODACTYLY, CLEFT PALATE, AND CLUBFOOT; Gordon's syndrome. Identifiers: Orphanet 376, MedGen C0220666, MONDO:0007252, OMIM 114300.

Allele frequency attached by ClinVar (database versions not stated): gnomAD 0.00003 and 0.00004; gnomAD exomes 0.00005; TOPMed 0.00005; ExAC 0.00006.
gnomAD v4.1: 150 of 1,536,628 alleles (0.0098%); highest among the groups gnomAD compares: Non-Finnish European, 0.012%; no homozygotes.

Submissions (4):

Ambry Genetics
Classification: Uncertain significance for Inborn genetic diseases. Last evaluated: 2025-10-02. Review status: criteria provided, single submitter. Criteria: Ambry Variant Classification Scheme 2023. Collection method: clinical testing. Allele origin: germline.

Labcorp Genetics (formerly Invitae), Labcorp
Classification: Uncertain significance. Last evaluated: 2025-09-15. Review status: criteria provided, single submitter. Criteria: Invitae Variant Classification Sherloc (09022015). Collection method: clinical testing. Allele origin: germline.
Comment: This sequence change replaces glycine, which is neutral and non-polar, with valine, which is neutral and non-polar, at codon 29 of the PIEZO2 protein (p.Gly29Val). This variant is present in population databases (rs772178114, gnomAD 0.01%). This variant has not been reported in the literature in individuals affected with PIEZO2-related conditions. ClinVar contains an entry for this variant (Variation ID: 1310285). Invitae Evidence Modeling of protein sequence and biophysical properties (such as structural, functional, and spatial information, amino acid conservation, physicochemical variation, residue mobility, and thermodynamic stability) indicates that this missense variant is not expected to disrupt PIEZO2 protein function with a negative predictive value of 80%. In summary, the available evidence is currently insufficient to determine the role of this variant in disease. Therefore, it has been classified as a Variant of Uncertain Significance.

Department of Pathology and Laboratory Medicine, Sinai Health System
Classification: Uncertain significance for Arthrogryposis- oculomotor limitation-electroretinal anomalies syndrome; Gordon syndrome; Marden-Walker syndrome; Arthrogryposis, distal, with impaired proprioception and touch. Last evaluated: 2023-11-11. Review status: criteria provided, single submitter. Criteria: ACMG Guidelines, 2015. Collection method: research. Allele origin: germline.

GeneDx
Classification: Uncertain significance. Last evaluated: 2019-12-13. Review status: criteria provided, single submitter. Criteria: GeneDx Variant Classification Process June 2021. Collection method: clinical testing. Allele origin: germline. Affected: yes.
Comment: In silico analysis, which includes protein predictors and evolutionary conservation, supports a deleterious effect; Has not been previously published as pathogenic or benign to our knowledge